The following is an entry in ClinVar:

NM_014159.7(SETD2):c.2783C>T (p.Thr928Ile)

Gene: SETD2 (SET domain containing 2, histone lysine methyltransferase; minus strand). Cytogenetic location: 3p21.31.
Variant type: single nucleotide variant.
Coding change: c.2783C>T on transcript NM_014159.7 (MANE Select); coding-DNA position 2783, C replaced by T.
Protein change: p.Thr928Ile; replaces threonine 928 with isoleucine.
Molecular consequence: missense variant. On other transcripts: non-coding transcript variant (1).
Genome position (GRCh38, 1-based): chr3:47,121,853, G>A on the plus strand (C>T on the coding strand, the complement: SETD2 is on the minus strand). VCF-style: chr3-47121853-G-A. GRCh37 (hg19) VCF-style: chr3-47163343-G-A.
Other names: c.2651C>T, p.Thr884Ile (NM_001349370.3); short protein forms T884I, T928I.
Identifiers: ClinVar variation 3364106 (VCV003364106.1).

ClinVar aggregate classification (germline): Uncertain significance (1 of 4 stars; one submission).

Submission:

GeneDx
Classification: Uncertain significance. Last evaluated: 2023-11-10. Review status: criteria provided, single submitter. Criteria: GeneDx Variant Classification Process June 2021. Collection method: clinical testing. Allele origin: germline. Affected: yes.
Comment: Not observed at significant frequency in large population cohorts (gnomAD); In silico analysis supports that this missense variant has a deleterious effect on protein structure/function; Has not been previously published as pathogenic or benign to our knowledge